The following is an entry in ClinVar:

ClinVar aggregate classification (germline): Uncertain significance. Review status: criteria provided, multiple submitters, no conflicts (2 of 4 stars). 3 submissions from 3 submitters: Uncertain significance (3). Last evaluated 2026-08-06.

Conditions:
Polycystic liver disease 4 with or without kidney cysts. Identifiers: MedGen C4693479, MONDO:0044327, OMIM 617875.
Exudative vitreoretinopathy 4 (EVR4). Identifiers: Orphanet 891, MedGen C1866176, MONDO:0011151, OMIM 601813.
Autosomal dominant osteopetrosis 1 (OPTA1). Also called: OSTEOPETROSIS, AUTOSOMAL DOMINANT, TYPE I. Identifiers: Orphanet 2783, MedGen C1843330, MONDO:0011877, OMIM 607634.
Bone mineral density quantitative trait locus 1 (BMND1). Identifiers: MedGen C1866079, OMIM 601884.
Worth disease. Also called: ENDOSTEAL HYPEROSTOSIS, AUTOSOMAL DOMINANT; OSTEOSCLEROSIS, AUTOSOMAL DOMINANT; Autosomal dominant osteosclerosis, Worth type. Identifiers: Orphanet 2790, MedGen C0432273, MONDO:0007764, OMIM 144750.
Osteoporosis with pseudoglioma (OPPG). Also called: osteoporosis-pseudoglioma syndrome. Identifiers: Orphanet 2788, MedGen C0432252, MONDO:0009820, OMIM 259770.

Allele frequency attached by ClinVar (database versions not stated): ExAC 0.00006.
gnomAD v4.1: 16 of 1,603,478 alleles (0.001%); highest among the groups gnomAD compares: Admixed American, 0.005%; no homozygotes.

Submissions (3):

OLLIN Analises Genomicas, OLLIN
Classification: Uncertain significance for Exudative vitreoretinopathy 4. Last evaluated: 2026-08-06. Review status: criteria provided, single submitter. Criteria: ACMG Guidelines 2015 PMID 25741868. Collection method: clinical testing. Allele origin: germline. Inheritance: Autosomal dominant inheritance.
Comment: This missense variant, located in exon 12 (of 23), has been reported in ClinVar (accession VCV001919332.6) and in gnomAD with an allele frequency of 0.001%. However, to our knowledge, it has not been reported in the scientific literature. In silico analysis is inconclusive regarding the impact of this variant. According to the currently available evidence, this variant has been classified as uncertain significance (PM2_P).

Labcorp Genetics (formerly Invitae), Labcorp
Classification: Uncertain significance. Last evaluated: 2024-06-04. Review status: criteria provided, single submitter. Criteria: Invitae Variant Classification Sherloc (09022015). Collection method: clinical testing. Allele origin: germline.
Comment: This sequence change replaces arginine, which is basic and polar, with histidine, which is basic and polar, at codon 939 of the LRP5 protein (p.Arg939His). This variant is present in population databases (rs770919090, gnomAD 0.006%). This variant has not been reported in the literature in individuals affected with LRP5-related conditions. ClinVar contains an entry for this variant (Variation ID: 1919332). Advanced modeling of protein sequence and biophysical properties (such as structural, functional, and spatial information, amino acid conservation, physicochemical variation, residue mobility, and thermodynamic stability) performed at Invitae indicates that this missense variant is not expected to disrupt LRP5 protein function with a negative predictive value of 95%. In summary, the available evidence is currently insufficient to determine the role of this variant in disease. Therefore, it has been classified as a Variant of Uncertain Significance.

Fulgent Genetics
Classification: Uncertain significance for Worth disease; Osteoporosis with pseudoglioma; Exudative vitreoretinopathy 4; Bone mineral density quantitative trait locus 1; Autosomal dominant osteopetrosis 1; Polycystic liver disease 4 with or without kidney cysts. Last evaluated: 2024-04-10. Review status: criteria provided, single submitter. Criteria: ACMG Guidelines, 2015. Collection method: clinical testing. Allele origin: germline.

NM_002335.4(LRP5):c.2816G>A (p.Arg939His)

Gene: LRP5 (LDL receptor related protein 5; plus strand). Cytogenetic location: 11q13.2.
Variant type: single nucleotide variant.
Coding change: c.2816G>A on transcript NM_002335.4 (MANE Select); coding-DNA position 2816, G replaced by A.
Protein change: p.Arg939His; replaces arginine 939 with histidine.
Molecular consequence: missense variant.
Genome position (GRCh38, 1-based): chr11:68,414,001, G>A. VCF-style: chr11-68414001-G-A. GRCh37 (hg19) VCF-style: chr11-68181469-G-A.
Other names: c.1073G>A, p.Arg358His (NM_001291902.2); short protein forms R358H, R939H.
Identifiers: ClinVar variation 1919332 (VCV001919332.7), dbSNP rs770919090, ClinGen allele CA6149749.